The following is an entry in ClinVar:

NM_000277.3(PAH):c.505C>A (p.Arg169Ser)

Gene: PAH (phenylalanine hydroxylase; minus strand). Cytogenetic location: 12q23.2.
Variant type: single nucleotide variant.
Coding change: c.505C>A on transcript NM_000277.3 (MANE Select); coding-DNA position 505, C replaced by A.
Protein change: p.Arg169Ser; replaces arginine 169 with serine.
Molecular consequence: missense variant.
Genome position (GRCh38, 1-based): chr12:102,866,600, G>T on the plus strand (C>A on the coding strand, the complement: PAH is on the minus strand). VCF-style: chr12-102866600-G-T. GRCh37 (hg19) VCF-style: chr12-103260378-G-T.
Other names: c.505C>A, p.Arg169Ser (NM_001354304.2); c.505C>A (NM_000277.2); short protein forms R169S.
Identifiers: ClinVar variation 932262 (VCV000932262.12), dbSNP rs281865440, ClinGen allele CA16020803.

ClinVar aggregate classification (germline): Pathogenic. Review status: reviewed by expert panel (3 of 4 stars). 5 submissions from 5 submitters: Pathogenic (1). 4 of the submissions do not count toward it. Last evaluated 2020-05-14.

Conditions:
Phenylketonuria (PKU). Also called: OLIGOPHRENIA PHENYLPYRUVICA; Phenylketonurias; Phenylketonuria (PKU); FOLLING DISEASE. Identifiers: Orphanet 716, MedGen C0031485, MONDO:0009861, OMIM 261600. Disease mechanism: loss of function.

Submissions (5):

ClinGen PAH Variant Curation Expert Panel
Classification: Pathogenic for Phenylketonuria. Last evaluated: 2020-05-14. Review status: reviewed by expert panel. Criteria: ClinGen PAH ACMG Specifications v1. Collection method: curation. Allele origin: germline. Inheritance: Autosomal recessive inheritance.
Comment: The c.505C>A (p.Arg169Ser) variant in PAH is detected in 4 Chinese patients with Phe levels >120 umol/l (PMID 26503515, 30747360, 30050108, 28982351 ) (PP4-Moderate). The variant was detected in trans with pathogenic variants p.R241C, p.R413P, R408Q, p.R243Q (PMID: 30050108, 28982351). The validation tests on parents were performed using Sanger sequencing (PM3-Very Strong). This variant is absent from controls in gnomAD, PAGE, 100 Genomes or ESP (PM2). This variant is predicted to be damaging in SIFT, PolyPhen2, and MutationTaster. REVEL score = 0.805 (PP3). In summary, this variant meets criteria to be classified as pathogenic for PAH. PAH-specific ACMG/AMP criteria applied: PM2, PP4-Moderate, PM3-Very Strong, PP3.

Natera, Inc.
Classification: Pathogenic for Phenylketonuria. Last evaluated: 2025-04-18. Review status: criteria provided, single submitter. Criteria: Natera Variant Classification Schema (03/2026). Collection method: clinical testing. Allele origin: germline. Not counted in ClinVar's aggregate classification.
Comment: The c.505C>A variant in PAH is a missense variant predicted to cause substitution of arginine to serine at amino acid 169. This variant is rare in the general population with a frequency below the threshold expected for the associated phenotype(s). This variant has been observed in one or more individuals affected with the associated recessive disease, as either homozygous or compound heterozygous with a second variant (PMID: 35193651, 30050108). Computational prediction algorithms indicate this variant is likely to affect gene or protein function. Given the available evidence, this variant is classified as Pathogenic.

Baylor Genetics
Classification: Pathogenic for Phenylketonuria. Last evaluated: 2024-01-24. Review status: criteria provided, single submitter. Criteria: ACMG Guidelines, 2015. Collection method: clinical testing. Allele origin: unknown. Not counted in ClinVar's aggregate classification.

Labcorp Genetics (formerly Invitae), Labcorp
Classification: Pathogenic for Phenylketonuria. Last evaluated: 2023-12-09. Review status: criteria provided, single submitter. Criteria: Invitae Variant Classification Sherloc (09022015). Collection method: clinical testing. Allele origin: germline. Not counted in ClinVar's aggregate classification.
Comment: This sequence change replaces arginine, which is basic and polar, with serine, which is neutral and polar, at codon 169 of the PAH protein (p.Arg169Ser). This variant is not present in population databases (gnomAD no frequency). This missense change has been observed in individual(s) with phenylketonuria (PMID: 25449068, 26503515, 28982351, 30459323). ClinVar contains an entry for this variant (Variation ID: 932262). Advanced modeling of protein sequence and biophysical properties (such as structural, functional, and spatial information, amino acid conservation, physicochemical variation, residue mobility, and thermodynamic stability) performed at Invitae indicates that this missense variant is not expected to disrupt PAH protein function with a negative predictive value of 80%. This variant disrupts the p.Arg169 amino acid residue in PAH. Other variant(s) that disrupt this residue have been determined to be pathogenic (PMID: 10234516, 18299955, 21147011, 26666653, 28982351). This suggests that this residue is clinically significant, and that variants that disrupt this residue are likely to be disease-causing. For these reasons, this variant has been classified as Pathogenic.

Juno Genomics, Hangzhou Juno Genomics, Inc
Classification: Pathogenic for Phenylketonuria. Review status: criteria provided, single submitter. Criteria: ACMG Guidelines, 2015. Collection method: clinical testing. Allele origin: germline. Affected: yes. Not counted in ClinVar's aggregate classification.
Comment: Absent from controls (or at extremely low frequency if recessive) in Genome Aggregation Database, Exome Sequencing Project, 1000 Genomes Project, or Exome Aggregation Consortium.;Multiple lines of computational evidence support a deleterious effect on the gene or gene product (conservation, evolutionary, splicing impact, etc).;For recessive disorders, detected in trans with a pathogenic variant.;Patient's phenotype or family history is highly specific for a disease with a single genetic etiology.;Novel missense change at an amino acid residue where a different missense change determined to be pathogenic has been seen before.

Literature cited by the submitters: PubMed 30747360 (cited by ClinGen PAH Variant Curation Expert Panel); PubMed 30050108 (cited by ClinGen PAH Variant Curation Expert Panel and Natera, Inc.); PubMed 28982351 (cited by ClinGen PAH Variant Curation Expert Panel and Labcorp Genetics (formerly Invitae), Labcorp); PubMed 26503515 (cited by ClinGen PAH Variant Curation Expert Panel and Labcorp Genetics (formerly Invitae), Labcorp); PubMed 35193651 (cited by Natera, Inc.); PubMed 25449068 (cited by Labcorp Genetics (formerly Invitae), Labcorp); PubMed 30459323 (cited by Labcorp Genetics (formerly Invitae), Labcorp); PubMed 10234516 (cited by Labcorp Genetics (formerly Invitae), Labcorp); PubMed 18299955 (cited by Labcorp Genetics (formerly Invitae), Labcorp); PubMed 21147011 (cited by Labcorp Genetics (formerly Invitae), Labcorp); PubMed 26666653 (cited by Labcorp Genetics (formerly Invitae), Labcorp).